The following is an entry in ClinVar:

ClinVar aggregate classification (germline): Pathogenic (1 of 4 stars; one submission).

Conditions:
Polycystic kidney disease, adult type (PKD1). Also called: Polycystic Kidney Disease 1, Autosomal Dominant; Polycystic kidney disease 1; Polycystic kidney disease 1, severe; POLYCYSTIC KIDNEY DISEASE 1 WITH OR WITHOUT POLYCYSTIC LIVER DISEASE; POLYCYSTIC KIDNEY DISEASE, ADULT, TYPE I; Polycystic Kidney, Autosomal Dominant. Identifiers: MedGen C3149841, MONDO:0008263, OMIM 173900.

Submission:

Victorian Clinical Genetics Services, Murdoch Childrens Research Institute
Classification: Pathogenic for Polycystic kidney disease, adult type. Last evaluated: 2023-07-17. Review status: criteria provided, single submitter. Criteria: ACMG Guidelines, 2015. Collection method: clinical testing. Allele origin: germline. Inheritance: Autosomal dominant inheritance. Affected: yes.
Comment: Based on the classification scheme VCGS_Germline_v1.3.4, this variant is classified as Pathogenic. Following criteria are met: 0102 - Loss of function is a known mechanism of disease in this gene and is associated with polycystic kidney disease 1 (MIM#173900). It is predominantly caused by monoallelic variants, with rare reports of biallelic variants causing disease (OMIM). (I) 0107 - This gene is associated with autosomal dominant disease. (I) 0201 - Variant is predicted to cause nonsense-mediated decay (NMD) and loss of protein (premature termination codon is located at least 54 nucleotides upstream of the final exon-exon junction). (SP) 0251 - This variant is heterozygous. (I) 0301 - Variant is absent from gnomAD (both v2 and v3). (SP) 0701 - Other NMD-predicted variants comparable to the one identified in this case have very strong previous evidence for pathogenicity (ClinVar). (SP) 0807 - This variant has no previous evidence of pathogenicity. (I) 0905 - No published segregation evidence has been identified for this variant. (I) 1007 - No published functional evidence has been identified for this variant. (I) 1208 - Inheritance information for this variant is not currently available in this individual. (I) Legend: (SP) - Supporting pathogenic, (I) - Information, (SB) - Supporting benign

NM_001009944.3(PKD1):c.5167dup (p.Val1723fs)

Gene: PKD1 (polycystin 1, transient receptor potential channel interacting; minus strand). Cytogenetic location: 16p13.3.
Variant type: Duplication.
Coding change: c.5167dup on transcript NM_001009944.3 (MANE Select); coding-DNA position 5167, one base duplicated (G; older notation c.5167dupG).
Protein change: p.Val1723fs; shifts the reading frame from valine 1723.
Molecular consequence: frameshift variant.
Genome position (GRCh38, 1-based): chr16:2,110,000, C duplicated on the plus strand (G on the coding strand, the reverse complement: PKD1 is on the minus strand); the first of 2 consecutive C bases (chr16:2,110,000-2,110,001); duplicating either gives the same sequence. VCF-style (leftmost placement, unchanged base first): chr16-2109999-A-AC. GRCh37 (hg19) VCF-style: chr16-2160000-A-AC.
Other names: c.5167dup, p.Val1723fs (NM_000296.4); c.5167dupG (NM_001009944.2); short protein forms V1723fs.
Identifiers: ClinVar variation 3254848 (VCV003254848.1), dbSNP rs2544814470.
Genomic context (GRCh38, chr16:2,109,999, plus strand): 5'-GCCAGCTCGGCACTGAGGGTGACGCTTGTGTTGACGGCAGCTGGGTTCGGGGAGGCGGCC[A>AC]CCATCAGCCACCCCACAGGCTCCACGAAGTCCATGGTGCAGTCGGCCCAGGCGCTGCCCA-3'